The following is an entry in ClinVar:

ClinVar aggregate classification (germline): Uncertain significance (1 of 4 stars; one submission).

Conditions:
Epileptic encephalopathy. Identifiers: MedGen C0543888, HP:0200134.

Allele frequency attached by ClinVar (database versions not stated): gnomAD exomes 0.00004 and 0.00007; ExAC 0.00007.
gnomAD v4.1: 57 of 1,613,088 alleles (0.0035%); highest among the groups gnomAD compares: South Asian, 0.053%; 2 homozygotes.

Submission:

Labcorp Genetics (formerly Invitae), Labcorp
Classification: Uncertain significance for Epileptic encephalopathy. Last evaluated: 2024-04-29. Review status: criteria provided, single submitter. Criteria: Invitae Variant Classification Sherloc (09022015). Collection method: clinical testing. Allele origin: germline.
Comment: This sequence change replaces arginine, which is basic and polar, with lysine, which is basic and polar, at codon 1375 of the RYR3 protein (p.Arg1375Lys). This variant is present in population databases (rs781652433, gnomAD 0.06%). This variant has not been reported in the literature in individuals affected with RYR3-related conditions. ClinVar contains an entry for this variant (Variation ID: 1507455). An algorithm developed to predict the effect of missense changes on protein structure and function (PolyPhen-2) suggests that this variant is likely to be tolerated. In summary, the available evidence is currently insufficient to determine the role of this variant in disease. Therefore, it has been classified as a Variant of Uncertain Significance.

NM_001036.6(RYR3):c.4124G>A (p.Arg1375Lys)

Gene: RYR3 (ryanodine receptor 3; plus strand). Cytogenetic location: 15q14.
Variant type: single nucleotide variant.
Coding change: c.4124G>A on transcript NM_001036.6 (MANE Select); coding-DNA position 4124, G replaced by A.
Protein change: p.Arg1375Lys; replaces arginine 1375 with lysine.
Molecular consequence: missense variant.
Genome position (GRCh38, 1-based): chr15:33,649,217, G>A. VCF-style: chr15-33649217-G-A. GRCh37 (hg19) VCF-style: chr15-33941418-G-A.
Other names: c.4124G>A, p.Arg1375Lys (NM_001243996.4); short protein forms R1375K.
Identifiers: ClinVar variation 1507455 (VCV001507455.7), dbSNP rs781652433, ClinGen allele CA7458893.